The following is an entry in ClinVar:

ClinVar aggregate classification (germline): Uncertain significance (1 of 4 stars; one submission).

Conditions:
Arginine:glycine amidinotransferase deficiency (CCDS3). Also called: AGAT deficiency; Cerebral creatine deficiency syndrome 3; L-Arginine:Glycine Amidinotransferase Deficiency; Creatine deficiency syndrome due to AGAT deficiency; GATM deficiency; L-Arginine:Glycine Amidinotransferase (AGAT) Deficiency. Identifiers: Orphanet 35704, MedGen C2675179, MONDO:0012996, OMIM 612718.

Allele frequency attached by ClinVar (database versions not stated): ExAC 0.00001; gnomAD 0.00002; TOPMed 0.00002; gnomAD exomes 0.00003.
gnomAD v4.1: 71 of 1,611,990 alleles (0.0044%); highest among the groups gnomAD compares: Non-Finnish European, 0.0053%; no homozygotes.

Submission:

Labcorp Genetics (formerly Invitae), Labcorp
Classification: Uncertain significance for Arginine:glycine amidinotransferase deficiency. Last evaluated: 2026-01-21. Review status: criteria provided, single submitter. Criteria: Invitae Variant Classification Sherloc (09022015). Collection method: clinical testing. Allele origin: germline.
Comment: This sequence change replaces aspartic acid, which is acidic and polar, with asparagine, which is neutral and polar, at codon 348 of the GATM protein (p.Asp348Asn). This variant also falls at the last nucleotide of exon 7, which is part of the consensus splice site for this exon. This variant is present in population databases (rs755493537, gnomAD 0.006%). This variant has not been reported in the literature in individuals affected with GATM-related conditions. ClinVar contains an entry for this variant (Variation ID: 1043658). Invitae Evidence Modeling of protein sequence and biophysical properties (such as structural, functional, and spatial information, amino acid conservation, physicochemical variation, residue mobility, and thermodynamic stability) indicates that this missense variant is not expected to disrupt GATM protein function with a negative predictive value of 95%. Variants that disrupt the consensus splice site are a relatively common cause of aberrant splicing (PMID: 17576681, 9536098). Algorithms developed to predict the effect of sequence changes on RNA splicing suggest that this variant may disrupt the consensus splice site. In summary, the available evidence is currently insufficient to determine the role of this variant in disease. Therefore, it has been classified as a Variant of Uncertain Significance.

Literature cited by the submitters: PubMed 17576681; PubMed 9536098.

NM_001482.3(GATM):c.1042G>A (p.Asp348Asn)

Gene: GATM (glycine amidinotransferase; minus strand). Cytogenetic location: 15q21.1.
Variant type: single nucleotide variant.
Coding change: c.1042G>A on transcript NM_001482.3 (MANE Select); coding-DNA position 1042, G replaced by A.
Protein change: p.Asp348Asn; replaces aspartic acid 348 with asparagine.
Molecular consequence: missense variant.
Genome position (GRCh38, 1-based): chr15:45,364,797, C>T on the plus strand (G>A on the coding strand, the complement: GATM is on the minus strand). VCF-style: chr15-45364797-C-T. GRCh37 (hg19) VCF-style: chr15-45656995-C-T.
Other names: c.655G>A, p.Asp219Asn (NM_001321015.2); short protein forms D219N, D348N.
Identifiers: ClinVar variation 1043658 (VCV001043658.6), dbSNP rs755493537, ClinGen allele CA7542802.